The following is an entry in ClinVar:

NM_152268.4(PARS2):c.239T>C (p.Ile80Thr)

Gene: PARS2 (prolyl-tRNA synthetase 2, mitochondrial; minus strand). Cytogenetic location: 1p32.3.
Variant type: single nucleotide variant.
Coding change: c.239T>C on transcript NM_152268.4 (MANE Select); coding-DNA position 239, T replaced by C.
Protein change: p.Ile80Thr; replaces isoleucine 80 with threonine.
Molecular consequence: missense variant.
Genome position (GRCh38, 1-based): chr1:54,758,923, A>G on the plus strand (T>C on the coding strand, the complement: PARS2 is on the minus strand). VCF-style: chr1-54758923-A-G. GRCh37 (hg19) VCF-style: chr1-55224596-A-G.
Other names: short protein forms I80T.
Identifiers: ClinVar variation 632567 (VCV000632567.4), dbSNP rs1246773873, ClinGen allele CA340466036.

ClinVar aggregate classification (germline): Uncertain significance. Review status: criteria provided, single submitter (1 of 4 stars). 2 submissions from 2 submitters: Uncertain significance (1). 1 of the submissions does not count toward it. Last evaluated 2019-10-01.

Conditions:
Developmental and epileptic encephalopathy, 75. Also called: EPILEPTIC ENCEPHALOPATHY, EARLY INFANTILE, 75. Identifiers: MedGen C5193099, MONDO:0032752, OMIM 618437.

Allele frequency attached by ClinVar (database versions not stated): gnomAD exomes below 0.00001 and 0.00001.
gnomAD v4.1: 9 of 1,614,138 alleles (0.00056%); highest among the groups gnomAD compares: Non-Finnish European, 0.00076%; no homozygotes.

Submissions (2):

SIB Swiss Institute of Bioinformatics
Classification: Uncertain significance for Developmental and epileptic encephalopathy, 75. Last evaluated: 2019-10-01. Review status: criteria provided, single submitter. Criteria: ACMG Guidelines, 2015. Collection method: curation. Allele origin: unknown.
Comment: This variant is interpreted as a variant of uncertain significance for Epileptic encephalopathy, early infantile, 75, autosomal recessive. The following ACMG Tag(s) were applied: PM2, PP1-Moderate, PP3.

OMIM
Classification: Pathogenic for DEVELOPMENTAL AND EPILEPTIC ENCEPHALOPATHY 75. Last evaluated: 2020-11-25. Review status: no assertion criteria provided. Collection method: literature only. Allele origin: germline. Not counted in ClinVar's aggregate classification.

Literature cited by the submitters: PubMed 29410512 (cited by SIB Swiss Institute of Bioinformatics); PubMed 27290639 (cited by OMIM).